The following is an entry in ClinVar:

ClinVar aggregate classification (germline): Conflicting classifications of pathogenicity. Review status: criteria provided, conflicting classifications (1 of 4 stars). 2 submissions from 2 submitters: Uncertain significance (1); Likely benign (1). Last evaluated 2024-09-06.

Conditions:
Adams-Oliver syndrome 5 (AOS5). Identifiers: Orphanet 974, MedGen C4014970, MONDO:0014459, OMIM 616028.
Familial thoracic aortic aneurysm and aortic dissection (TAAD). Also called: Thoracic aortic aneurysms and dissections. Identifiers: Orphanet 91387, MedGen C4707243, MONDO:0019625.

Allele frequency attached by ClinVar (database versions not stated): gnomAD exomes below 0.00001; gnomAD 0.00001; TOPMed 0.00001.
gnomAD v4.1: 8 of 1,611,256 alleles (0.0005%); highest among the groups gnomAD compares: Admixed American, 0.0033%; no homozygotes.

Submissions (2):

Labcorp Genetics (formerly Invitae), Labcorp
Classification: Likely benign for Adams-Oliver syndrome 5. Last evaluated: 2024-09-06. Review status: criteria provided, single submitter. Criteria: Invitae Variant Classification Sherloc (09022015). Collection method: clinical testing. Allele origin: germline.

Ambry Genetics
Classification: Uncertain significance for Familial thoracic aortic aneurysm and aortic dissection. Last evaluated: 2021-06-22. Review status: criteria provided, single submitter. Criteria: Ambry Variant Classification Scheme 2023. Collection method: clinical testing. Allele origin: germline.
Comment: The p.A1448V variant (also known as c.4343C>T), located in coding exon 25 of the NOTCH1 gene, results from a C to T substitution at nucleotide position 4343. The alanine at codon 1448 is replaced by valine, an amino acid with similar properties. This amino acid position is conserved. In addition, this alteration is predicted to be tolerated by in silico analysis. Since supporting evidence is limited at this time, the clinical significance of this alteration remains unclear.

NM_017617.5(NOTCH1):c.4343C>T (p.Ala1448Val)

Gene: NOTCH1 (notch receptor 1; minus strand). Cytogenetic location: 9q34.3.
Variant type: single nucleotide variant.
Coding change: c.4343C>T on transcript NM_017617.5 (MANE Select); coding-DNA position 4343, C replaced by T.
Protein change: p.Ala1448Val; replaces alanine 1448 with valine.
Molecular consequence: missense variant.
Genome position (GRCh38, 1-based): chr9:136,505,553, G>A on the plus strand (C>T on the coding strand, the complement: NOTCH1 is on the minus strand). VCF-style: chr9-136505553-G-A. GRCh37 (hg19) VCF-style: chr9-139400005-G-A.
Other names: short protein forms A1448V.
Identifiers: ClinVar variation 1739872 (VCV001739872.5), dbSNP rs1479377696, ClinGen allele CA375648120.